The following is an entry in ClinVar:

NM_004463.3(FGD1):c.659+1G>A

Gene: FGD1 (FYVE, RhoGEF and PH domain containing 1; minus strand). Cytogenetic location: Xp11.22.
Variant type: single nucleotide variant.
Coding change: c.659+1G>A on transcript NM_004463.3 (MANE Select); the canonical splice donor site of the intron after coding-DNA position 659, G replaced by A.
Molecular consequence: splice donor variant.
Genome position (GRCh38, 1-based): chrX:54,470,582, C>T on the plus strand (G>A on the coding strand, the complement: FGD1 is on the minus strand). VCF-style: chrX-54470582-C-T. GRCh37 (hg19) VCF-style: chrX-54497015-C-T.
Identifiers: ClinVar variation 2817996 (VCV002817996.3), dbSNP rs2522715548, ClinGen allele CA413249281.

ClinVar aggregate classification (germline): Likely pathogenic (1 of 4 stars; one submission).

Submission:

Labcorp Genetics (formerly Invitae), Labcorp
Classification: Likely pathogenic. Last evaluated: 2022-12-03. Review status: criteria provided, single submitter. Criteria: Invitae Variant Classification Sherloc (09022015). Collection method: clinical testing. Allele origin: germline.
Comment: Disruption of this splice site has been observed in individual(s) with Aarskog-Scott syndrome (Invitae). In summary, the currently available evidence indicates that the variant is pathogenic, but additional data are needed to prove that conclusively. Therefore, this variant has been classified as Likely Pathogenic. Algorithms developed to predict the effect of sequence changes on RNA splicing suggest that this variant may disrupt the consensus splice site. This variant is not present in population databases (gnomAD no frequency). This sequence change affects a donor splice site in intron 3 of the FGD1 gene. It is expected to disrupt RNA splicing. Variants that disrupt the donor or acceptor splice site typically lead to a loss of protein function (PMID: 16199547), and loss-of-function variants in FGD1 are known to be pathogenic (PMID: 21739585, 23211637, 25046119, 26029706).

Literature cited by the submitters: PubMed 16199547; PubMed 21739585; PubMed 23211637; PubMed 25046119; PubMed 26029706.